The following is an entry in ClinVar:

NM_000363.5(TNNI3):c.332_333del (p.Arg111fs)

Gene: TNNI3 (troponin I3, cardiac type; minus strand). Cytogenetic location: 19q13.42.
Variant type: Microsatellite.
Coding change: c.332_333del on transcript NM_000363.5 (MANE Select); coding-DNA positions 332 to 333, 2 bases deleted (GA; older notation c.332_333delGA).
Protein change: p.Arg111fs; shifts the reading frame from arginine 111.
Molecular consequence: frameshift variant.
Genome position (GRCh38, 1-based): chr19:55,154,780-55,154,781, TC deleted on the plus strand (GA on the coding strand, the reverse complement: TNNI3 is on the minus strand); deleting any 2 consecutive bases within chr19:55,154,780-55,154,786 gives the same sequence; the c. name uses the placement nearest the transcript's 3' end. VCF-style (leftmost placement, unchanged base first): chr19-55154779-ATC-A. GRCh37 (hg19) VCF-style: chr19-55666147-ATC-A.
Other names: short protein forms R111fs.
Identifiers: ClinVar variation 524987 (VCV000524987.7), dbSNP rs1555863715, ClinGen allele CA658799313.

ClinVar aggregate classification (germline): Conflicting classifications of pathogenicity. Review status: criteria provided, conflicting classifications (1 of 4 stars). 2 submissions from 2 submitters: Pathogenic (1); Uncertain significance (1). Last evaluated 2024-08-30.

Conditions:
Hypertrophic cardiomyopathy. Also called: HYPERTROPHIC MYOCARDIOPATHY. Identifiers: Orphanet 217569, MedGen C0007194, MeSH D002312, MONDO:0005045, HP:0001639.

Submissions (2):

All of Us Research Program, National Institutes of Health
Classification: Uncertain significance for Hypertrophic cardiomyopathy. Last evaluated: 2024-08-30. Review status: criteria provided, single submitter. Criteria: ACMG Guidelines, 2015. Collection method: clinical testing. Allele origin: germline. Inheritance: Autosomal dominant inheritance. Observed: 1 variant allele, 1 heterozygote.
Comment: This study involves interpretation of variants in research participants for the purpose of population health screening. Participant phenotype was not available at the time of variant classification. Additional details can be found in publication PMID: 35346344, PMCID: PMC8962531

Labcorp Genetics (formerly Invitae), Labcorp
Classification: Pathogenic for Hypertrophic cardiomyopathy. Last evaluated: 2024-04-22. Review status: criteria provided, single submitter. Criteria: Invitae Variant Classification Sherloc (09022015). Collection method: clinical testing. Allele origin: germline.
Comment: This sequence change creates a premature translational stop signal (p.Arg111Ilefs*23) in the TNNI3 gene. It is expected to result in an absent or disrupted protein product. Loss-of-function variants in TNNI3 are known to be pathogenic (PMID: 31568572, 34036930, 35838873). This variant is not present in population databases (gnomAD no frequency). This variant has not been reported in the literature in individuals affected with TNNI3-related conditions. ClinVar contains an entry for this variant (Variation ID: 524987). For these reasons, this variant has been classified as Pathogenic.

Literature cited by the submitters: PubMed 31568572 (cited by Labcorp Genetics (formerly Invitae), Labcorp); PubMed 34036930 (cited by Labcorp Genetics (formerly Invitae), Labcorp); PubMed 35838873 (cited by Labcorp Genetics (formerly Invitae), Labcorp).